The following is an entry in ClinVar:

NM_000426.4(LAMA2):c.283+2dup

Gene: LAMA2 (laminin subunit alpha 2; plus strand). Cytogenetic location: 6q22.33.
Variant type: Duplication.
Coding change: c.283+2dup on transcript NM_000426.4 (MANE Select); the canonical splice donor site of the intron after coding-DNA position 283, one base duplicated (T; older notation c.283+2dupT).
Molecular consequence: splice donor variant.
Genome position (GRCh38, 1-based): chr6:129,050,090, T duplicated. VCF-style (leftmost placement, unchanged base first): chr6-129050089-G-GT. GRCh37 (hg19) VCF-style: chr6-129371234-G-GT.
Other names: c.283+2dup (NM_001079823.2).
Identifiers: ClinVar variation 2132055 (VCV002132055.4), dbSNP rs2482238530, ClinGen allele CA2580074982.

ClinVar aggregate classification (germline): Uncertain significance (1 of 4 stars; one submission).

Conditions:
LAMA2-related muscular dystrophy (LAMA2-RD). Also called: Laminin alpha 2-related dystrophy. Identifiers: MedGen C5679788, MONDO:0100228.

Submission:

Labcorp Genetics (formerly Invitae), Labcorp
Classification: Uncertain significance for LAMA2-related muscular dystrophy. Last evaluated: 2022-08-22. Review status: criteria provided, single submitter. Criteria: Invitae Variant Classification Sherloc (09022015). Collection method: clinical testing. Allele origin: germline.
Comment: Variants that disrupt the consensus splice site are a relatively common cause of aberrant splicing (PMID: 17576681, 9536098). Algorithms developed to predict the effect of sequence changes on RNA splicing suggest that this variant may disrupt the consensus splice site. This variant has not been reported in the literature in individuals affected with LAMA2-related conditions. This variant is not present in population databases (gnomAD no frequency). This sequence change falls in intron 2 of the LAMA2 gene. It does not directly change the encoded amino acid sequence of the LAMA2 protein. It affects a nucleotide within the consensus splice site. In summary, the available evidence is currently insufficient to determine the role of this variant in disease. Therefore, it has been classified as a Variant of Uncertain Significance.

Literature cited by the submitters: PubMed 17576681; PubMed 9536098.